The following is an entry in ClinVar:

ClinVar aggregate classification (germline): Pathogenic (1 of 4 stars; one submission).

Conditions:
CHD7-related disorder. Also called: CHD7-related condition.

Submission:

PreventionGenetics, part of Exact Sciences
Classification: Pathogenic for CHD7-related condition. Last evaluated: 2023-09-14. Review status: criteria provided, single submitter. Criteria: ACMG Guidelines, 2015. Collection method: clinical testing. Allele origin: germline.
Comment: The CHD7 c.6923C>A variant is predicted to result in premature protein termination (p.Ser2308*). To our knowledge, this variant has not been reported in the literature or in a large population database, indicating this variant is rare. Nonsense variants in CHD7 are expected to be pathogenic. This variant is interpreted as pathogenic.

NM_017780.4(CHD7):c.6923C>A (p.Ser2308Ter)

Gene: CHD7 (chromodomain helicase DNA binding protein 7; plus strand). Cytogenetic location: 8q12.2.
Variant type: single nucleotide variant.
Coding change: c.6923C>A on transcript NM_017780.4 (MANE Select); coding-DNA position 6923, C replaced by A.
Protein change: p.Ser2308Ter; replaces serine 2308 with a stop codon.
Molecular consequence: nonsense. On other transcripts: intron variant (1).
Genome position (GRCh38, 1-based): chr8:60,854,510, C>A. VCF-style: chr8-60854510-C-A. GRCh37 (hg19) VCF-style: chr8-61767069-C-A.
Other names: c.1717-7719C>A (NM_001316690.1); short protein forms S2308*.
Identifiers: ClinVar variation 2630694 (VCV002630694.1), dbSNP rs768152792, ClinGen allele CA371295320.